The following continues an entry in ClinVar:

NM_000257.4(MYH7):c.1207C>T (p.Arg403Trp)

Gene: MYH7. ClinVar aggregate classification (germline): Pathogenic. Pathogenic (1).

Submissions 7 to 16 of 26:

All of Us Research Program, National Institutes of Health
Classification: Pathogenic for Hypertrophic cardiomyopathy. Last evaluated: 2024-08-31. Review status: criteria provided, single submitter. Criteria: ACMG Guidelines, 2015. Collection method: clinical testing. Allele origin: germline. Inheritance: Autosomal dominant inheritance. Observed: 1 variant allele, 1 heterozygote. Not counted in ClinVar's aggregate classification.
Comment: The c.1207C>T (p.Arg403Trp) variant, located on the exon 12 of MYH7 gene, is a missense variant replacing arginine with tryptophan at codon 403 of the MYH7 protein. This variant has been reported in >20 individuals with hypertrophic cardiomyopathy and segregated with disease in >20 affected family members (PMID:1052196, 7662452, 7848420, 8254035, 8268932, 12707239, 12974739, 15010274, 15856146, 17612745, 20428263, 21239446, 26383716, 30297972). This variant lies in the head region of the protein (amino acids 181-937) and missense variants in this region are statistically more likely to be disease-associated (PMID:27532257). This variant is absent in the general population according to the Genome Aggregation Database (gnomAD). Computational prediction suggests that this variant may have deleterious impact on protein structure and function (REVEL=0.822, PMID: 27666373). In addition, alteration affecting the same amino acid, c.1208G>A (p.Arg403Gln), has been classified as pathogenic (ClinVar ID:14087). Based on these evidence, the c.1207C>T (p.Arg403Trp) variant in MYH7 is interpreted as pathogenic.

This study involves interpretation of variants in research participants for the purpose of population health screening. Participant phenotype was not available at the time of variant classification. Additional details can be found in publication PMID: 35346344, PMCID: PMC8962531

Blueprint Genetics
Classification: Pathogenic for MYH7-related disorders. Last evaluated: 2024-07-08. Review status: criteria provided, single submitter. Criteria: ACMG Guidelines, 2015. Collection method: clinical testing. Allele origin: germline. Affected: yes. Observed: 4 variant alleles. Not counted in ClinVar's aggregate classification.

3billion
Classification: Pathogenic for Hypertrophic cardiomyopathy 1. Last evaluated: 2023-09-08. Review status: criteria provided, single submitter. Criteria: ACMG Guidelines, 2015. Collection method: clinical testing. Allele origin: germline. Affected: yes. Not counted in ClinVar's aggregate classification.
Comment: The variant is not observed in the gnomAD v2.1.1 dataset. Predicted Consequence/Location: The variant is located in a mutational hot spot and/or well-established functional domain in which established pathogenic variants have been reported (PMID: 29300372). In silico tool predictions suggest damaging effect of the variant on gene or gene product [REVEL: 0.82 (>=0.6, sensitivity 0.68 and specificity 0.92); 3Cnet: 0.94 (>=0.6, sensitivity 0.72 and precision 0.9)]. Same nucleotide change resulting in same amino acid change has been previously reported as pathogenic/likely pathogenic with strong evidence (ClinVar ID: VCV000014102 /PMID: 8254035 /3billion dataset). The variant has been observed in multiple (>3) similarly affected unrelated individuals (PMID: 1052196, 12707239, 12974739, 15010274, 15856146, 17612745, 20428263, 21239446, 26383716, 30297972, 7662452, 7848420, 8254035, 8268932). The variant has been reported to co-segregate with the disease in at least 7 similarly affected relatives/individuals in at least two unrelated families (PMID: 1052196, 12707239, 12974739, 15010274, 15856146, 17612745, 20428263, 21239446, 26383716, 30297972, 7662452, 7848420, 8254035, 8268932). Different missense changes at the same codon (p.Arg403Gln, p.Arg403Gly, p.Arg403Leu, p.Arg403Pro) have been reported as pathogenic/likely pathogenic with strong evidence (ClinVar ID: VCV000014087, VCV000014101, VCV000505562 /PMID: 1975517, 27532257, 29447731, 8254035). Therefore, this variant is classified as Pathogenic according to the recommendation of ACMG/AMP guideline.

Ambry Genetics
Classification: Pathogenic for Cardiovascular phenotype. Last evaluated: 2023-04-19. Review status: criteria provided, single submitter. Criteria: Ambry General Variant Classification Scheme_2022. Collection method: clinical testing. Allele origin: germline. Not counted in ClinVar's aggregate classification.
Comment: The p.R403W pathogenic mutation (also known as c.1207C>T), located in coding exon 11 of the MYH7 gene, results from a C to T substitution at nucleotide position 1207. The arginine at codon 403 is replaced by tryptophan, an amino acid with dissimilar properties. This alteration has been reported in individuals and families with hypertrophic cardiomyopathy (HCM), with co-segregation in multiple families demonstrating variable penetrance and expressivity (Dausse E et al. J. Clin. Invest., 1993 Dec;92:2807-13; Posen BM et al. Br Heart J, 1995 Jul;74:40-6; Walsh R et al. Genet. Med., 2017 Feb;19:192-203). Functional studies have exhibited increased actin sliding velocity and enzymatic activity (Yamashita H et al. J. Biol. Chem., 2000 Sep;275:28045-52; Keller DI et al. J. Mol. Cell. Cardiol., 2004 Mar;36:355-62). This variant is considered to be rare based on population cohorts in the Genome Aggregation Database (gnomAD). This amino acid position is highly conserved in available vertebrate species. In addition, this alteration is predicted to be deleterious by in silico analysis. Based on the supporting evidence, this alteration is interpreted as a disease-causing mutation.

CHEO Genetics Diagnostic Laboratory, Children's Hospital of Eastern Ontario
Classification: Pathogenic for Cardiomyopathy. Last evaluated: 2022-11-18. Review status: criteria provided, single submitter. Criteria: ACMG Guidelines, 2015. Collection method: clinical testing. Allele origin: germline. Not counted in ClinVar's aggregate classification.

Fulgent Genetics
Classification: Pathogenic for MYH7-related skeletal myopathy; Myosin storage myopathy; Hypertrophic cardiomyopathy 1; Myopathy, myosin storage, autosomal recessive; Congenital myopathy 4A, autosomal dominant; Dilated cardiomyopathy 1S. Last evaluated: 2021-12-28. Review status: criteria provided, single submitter. Criteria: ACMG Guidelines, 2015. Collection method: clinical testing. Allele origin: unknown. Not counted in ClinVar's aggregate classification.

Institute of Human Genetics, University of Leipzig Medical Center
Classification: Pathogenic for Hypertrophic cardiomyopathy 1. Last evaluated: 2021-11-04. Review status: criteria provided, single submitter. Criteria: ACMG Guidelines, 2015. Collection method: clinical testing. Allele origin: unknown. Not counted in ClinVar's aggregate classification.
Comment: This variant was identified as compound heterozygous with NM_000257.4:c.2686G>A._x000D_ Criteria applied: PS4, PM5_STR, PP1_STR, PM1, PM2_SUP, PP2, PP3

GeneDx
Classification: Pathogenic. Last evaluated: 2021-10-22. Review status: criteria provided, single submitter. Criteria: GeneDx Variant Classification Process June 2021. Collection method: clinical testing. Allele origin: germline. Affected: yes. Not counted in ClinVar's aggregate classification.
Comment: Reported in the apparently homozygous and compound heterozygous state in individuals diagnosed with HCM during adolescence who either developed heart failure and underwent a transplant or experienced ventricular fibrillation arrest and LVNC (Keller et al., 2004; Kolokotronis et al., 2019); Not observed in large population cohorts (gnomAD); In silico analysis supports that this missense variant has a deleterious effect on protein structure/function; In vitro studies using recombinant and patient-derived myosin harboring R403W suggest that this variant causes an increase in actin-sliding velocity, affinity of myosin for actin, and actin-activated ATPase activity (Yamashita et al., 2000; Keller et al., 2004); Classified in ClinVar as pathogenic by the ClinGen Inherited Cardiomyopathy Variant Curation Expert Panel (ClinVar Variant ID# 14102; ClinVar); This variant is associated with the following publications: (PMID: 10521296, 27532257, 8254035, 21310275, 30217213, 7662452, 7848420, 21239446, 24111713, 15856146, 15010274, 27247418, 18029407, 28615295, 28606303, 28408708, 29540472, 26383716, 29300372, 27476098, 30924982, 31447099, 32344918, 33906374, 33673806, 32659924, 32880476, 10882745, 32894683)

Laboratory for Molecular Medicine, Mass General Brigham Personalized Medicine
Classification: Pathogenic for Hypertrophic cardiomyopathy. Last evaluated: 2020-11-11. Review status: criteria provided, single submitter. Criteria: LMM Criteria. Collection method: clinical testing. Allele origin: germline. Inheritance: Autosomal dominant inheritance. Observed: 6 variant alleles. Not counted in ClinVar's aggregate classification.
Comment: proposed classification - variant undergoing re-assessment, contact laboratory

Rady Children's Institute for Genomic Medicine, Rady Children's Hospital San Diego
Classification: Pathogenic for Cardiomyopathy. Last evaluated: 2020-01-13. Review status: criteria provided, single submitter. Criteria: ACMG Guidelines, 2015. Collection method: clinical testing. Allele origin: germline. Affected: yes. Not counted in ClinVar's aggregate classification.
Comment: This variant has been previously reported in multiple individuals with hypertrophic cardiomyopathy and was found to segregate with disease (PMID: 7662452, 17612745, 20428263, 21239446). This variant has been reported in the ClinVar database (Variation ID: 14102). Additionally, a different Pathogenic missense variant in this codon (p.Arg403Gln) has been previously reported in the ClinVar database, which may indicate that this amino acid residue is critical to the function of the protein (Variation ID: 14087). The p.Arg403Trp variant is absent from the ExAC and gnomAD population databases and thus is presumed to be rare. The c.1207C>T (p.Arg403Trp) variant affects a highly conserved amino acid and is predicted by multiple in silico tools to have a deleterious effect on protein function. Based on the available evidence, the c.1207C>T (p.Arg403Trp) variant is classified as Pathogenic.